The following is an entry in ClinVar:

ClinVar aggregate classification (germline): Uncertain significance (1 of 4 stars; one submission).

Conditions:
Hereditary cancer-predisposing syndrome. Also called: Neoplastic Syndromes, Hereditary; Tumor predisposition; Hereditary Cancer Syndrome; Hereditary neoplastic syndrome. Identifiers: Orphanet 140162, MedGen C0027672, MeSH D009386, MONDO:0015356.

Submission:

Ambry Genetics
Classification: Uncertain significance for Hereditary cancer-predisposing syndrome. Last evaluated: 2021-02-16. Review status: criteria provided, single submitter. Criteria: Ambry Variant Classification Scheme 2023. Collection method: clinical testing. Allele origin: germline.
Comment: The p.H729Y variant (also known as c.2185C>T), located in coding exon 13 of the DICER1 gene, results from a C to T substitution at nucleotide position 2185. The histidine at codon 729 is replaced by tyrosine, an amino acid with similar properties. This amino acid position is highly conserved in available vertebrate species. In addition, the in silico prediction for this alteration is inconclusive. Since supporting evidence is limited at this time, the clinical significance of this alteration remains unclear.

NM_177438.3(DICER1):c.2185C>T (p.His729Tyr)

Gene: DICER1 (dicer 1, ribonuclease III; minus strand). Cytogenetic location: 14q32.13.
Variant type: single nucleotide variant.
Coding change: c.2185C>T on transcript NM_177438.3 (MANE Select); coding-DNA position 2185, C replaced by T.
Protein change: p.His729Tyr; replaces histidine 729 with tyrosine.
Molecular consequence: missense variant. On other transcripts: non-coding transcript variant (6).
Genome position (GRCh38, 1-based): chr14:95,111,388, G>A on the plus strand (C>T on the coding strand, the complement: DICER1 is on the minus strand). VCF-style: chr14-95111388-G-A. GRCh37 (hg19) VCF-style: chr14-95577725-G-A.
Other names: c.2185C>T, p.His729Tyr (NM_001195573.1, NM_001271282.3, NM_001291628.2 and 13 more transcripts); c.1903C>T, p.His635Tyr (NM_001395686.1); c.1780C>T, p.His594Tyr (NM_001395687.1, NM_001395688.1, NM_001395689.1 and 3 more transcripts); c.1618C>T, p.His540Tyr (NM_001395691.1); c.502C>T, p.His168Tyr (NM_001395697.1); short protein forms H594Y, H635Y, H168Y, H540Y, H729Y.
Identifiers: ClinVar variation 1787323 (VCV001787323.2), dbSNP rs2140067958, ClinGen allele CA390882687.